The following is an entry in ClinVar:

NM_001291303.3(FAT4):c.965C>A (p.Thr322Lys)

Gene: FAT4 (FAT atypical cadherin 4; plus strand). Cytogenetic location: 4q28.1.
Variant type: single nucleotide variant.
Coding change: c.965C>A on transcript NM_001291303.3 (MANE Select); coding-DNA position 965, C replaced by A.
Protein change: p.Thr322Lys; replaces threonine 322 with lysine.
Molecular consequence: missense variant.
Genome position (GRCh38, 1-based): chr4:125,317,376, C>A. VCF-style: chr4-125317376-C-A. GRCh37 (hg19) VCF-style: chr4-126238531-C-A.
Other names: c.965C>A, p.Thr322Lys (NM_001291285.3, NM_024582.6); short protein forms T322K.
Identifiers: ClinVar variation 3370946 (VCV003370946.1).

ClinVar aggregate classification (germline): Uncertain significance (1 of 4 stars; one submission).

gnomAD v4.1: 1 of 1,613,454 alleles (0.000062%); highest among the groups gnomAD compares: Non-Finnish European, 0.000085%; no homozygotes.

Submission:

GeneDx
Classification: Uncertain significance. Last evaluated: 2024-03-18. Review status: criteria provided, single submitter. Criteria: GeneDx Variant Classification Process June 2021. Collection method: clinical testing. Allele origin: germline. Affected: yes.
Comment: Not observed at significant frequency in large population cohorts (gnomAD); In silico analysis supports that this missense variant has a deleterious effect on protein structure/function; Has not been previously published as pathogenic or benign to our knowledge